The following is an entry in ClinVar:

NM_001113378.2(FANCI):c.3471_3477del (p.Ser1157fs)

Gene: FANCI (FA complementation group I; plus strand). Cytogenetic location: 15q26.1.
Variant type: Deletion.
Coding change: c.3471_3477del on transcript NM_001113378.2 (MANE Select); coding-DNA positions 3471 to 3477, 7 bases deleted (CTGTGTG; older notation c.3471_3477delCTGTGTG).
Protein change: p.Ser1157fs; shifts the reading frame from serine 1157.
Molecular consequence: frameshift variant.
Genome position (GRCh38, 1-based): chr15:89,306,128-89,306,134, CTGTGTG deleted; deleting any 7 consecutive bases within chr15:89,306,127-89,306,134 gives the same sequence; the c. name uses the placement nearest the transcript's 3' end. VCF-style (leftmost placement, unchanged base first): chr15-89306126-AGCTGTGT-A. GRCh37 (hg19) VCF-style: chr15-89849357-AGCTGTGT-A.
Other names: c.3192_3198del, p.Ser1064fs (NM_001376910.1); c.3471_3477del, p.Ser1157fs (NM_001376911.1); c.3291_3297del, p.Ser1097fs (NM_018193.3); short protein forms S1157fs, S1064fs, S1097fs.
Identifiers: ClinVar variation 2773221 (VCV002773221.3), dbSNP rs2508506729, ClinGen allele CA2630251358.
Genomic context (GRCh38, chr15:89,306,126, plus strand): 5'-CAACTGGGAACTCTGCTTACATTTTTCCACGAGCTGGTGCAGACAGCTCTGCCATCAGGC[AGCTGTGT>A]GGACACCTTGTTAAAGGACTTGTGCAAAATGTACACCACACTTACAGCCCTTGTCAGATA-3'

ClinVar aggregate classification (germline): Pathogenic (1 of 4 stars; one submission).

Conditions:
Fanconi anemia (FA). Also called: Fanconi's anemia. Identifiers: Orphanet 84, MedGen C0015625, MeSH D005199, MONDO:0019391.

Submission:

Labcorp Genetics (formerly Invitae), Labcorp
Classification: Pathogenic for Fanconi anemia. Last evaluated: 2023-11-01. Review status: criteria provided, single submitter. Criteria: Invitae Variant Classification Sherloc (09022015). Collection method: clinical testing. Allele origin: germline.
Comment: This sequence change creates a premature translational stop signal (p.Ser1157Argfs*5) in the FANCI gene. It is expected to result in an absent or disrupted protein product. Loss-of-function variants in FANCI are known to be pathogenic (PMID: 17452773, 17460694). This variant is not present in population databases (gnomAD no frequency). This variant has not been reported in the literature in individuals affected with FANCI-related conditions. Algorithms developed to predict the effect of sequence changes on RNA splicing suggest that this variant may disrupt the consensus splice site. For these reasons, this variant has been classified as Pathogenic.

Literature cited by the submitters: PubMed 17452773; PubMed 17460694.